The following is an entry in ClinVar:

NM_000156.6(GAMT):c.491del (p.Gly164fs)

Gene: GAMT (guanidinoacetate N-methyltransferase; minus strand). Cytogenetic location: 19p13.3.
Variant type: Deletion.
Coding change: c.491del on transcript NM_000156.6 (MANE Select); coding-DNA position 491, one base deleted (G; older notation c.491delG).
Protein change: p.Gly164fs; shifts the reading frame from glycine 164.
Molecular consequence: frameshift variant.
Genome position (GRCh38, 1-based): chr19:1,398,995, C deleted on the plus strand (G on the coding strand, the reverse complement: GAMT is on the minus strand); the first of 6 consecutive C bases (chr19:1,398,995-1,399,000); deleting any one gives the same sequence. VCF-style (leftmost placement, unchanged base first): chr19-1398994-GC-G. GRCh37 (hg19) VCF-style: chr19-1398993-GC-G.
Other names: NM_000156.6(GAMT):c.491del; p.Gly164fs; c.491del (NM_000156.4); c.491del, p.Gly164fs (NM_138924.3); short protein forms G164fs.
Identifiers: ClinVar variation 810628 (VCV000810628.36), dbSNP rs749390953, ClinGen allele CA9043627.
Genomic context (GRCh38, chr19:1,398,994, plus strand): 5'-GTCTGAGTACTTGGACTTCATCAGCTCCCCCCAGGAGGTGAGGTTGCAGTAGGTGAGGAC[GC>G]CCCCCGGCTTCAGCAGGCGAAAGGCGTGGTTCTGTGGAAGGGGAGTGGCCAGTGGTCAGG-3'

ClinVar aggregate classification (germline): Pathogenic. Review status: reviewed by expert panel (3 of 4 stars). 12 submissions from 12 submitters: Pathogenic (1). 11 of the submissions do not count toward it. Last evaluated 2023-05-25.

Conditions:
Deficiency of guanidinoacetate methyltransferase (CCDS2). Also called: Guanidinoacetate Methyltransferase (GAMT) Deficiency; GAMT DEFICIENCY; CEREBRAL CREATINE DEFICIENCY SYNDROME 2. Identifiers: Orphanet 382, MedGen C0574080, MONDO:0012999, OMIM 612736.
Cerebral creatine deficiency syndrome. Also called: Creatine deficiency syndromes. Identifiers: Orphanet 79172, MedGen C5244016, MONDO:0000456.

Submissions (12):

ClinGen Cerebral Creatine Deficiency Syndromes Variant Curation Expert Panel, ClinGen
Classification: Pathogenic for Deficiency of guanidinoacetate methyltransferase. Last evaluated: 2023-05-25. Review status: reviewed by expert panel. Criteria: ClinGen_CCDS_ACMG_Specifications_GAMT_v1.1. Collection method: curation. Allele origin: germline. Inheritance: Autosomal recessive inheritance.
Comment: The NM_000156.6:c.491del (p.Gly164AlafsTer14) variant in GAMT is a frameshift variant predicted to cause a premature stop codon in the last 50 nucleotides of the penultimate exon and therefore to escape nonsense mediated decay. More than 10% of the protein is predicted to be removed. (PVS1_Strong). This variant has been detected in in 7 unrelated individuals with GAMT deficiency, all of whom were homozygous for the variant (PMID: 29302074, PMID: 32214227, PMID: 15234333, PMID: 23660394, PMID: 15108290) (1pt, PM3). One of these individuals had elevated GAA in plasma, elevated GAA in urine, deficient GAMT enzyme activity (<5% wild-type) in fibroblasts, and significantly reduced creatine peak with present GAA peak on brain MRS (PMID: 15234333) and one of these individuals had elevated urine GAA and undetectable GAMT enzyme activity in fibroblasts (PMID: 15108290) (PP4_Strong). The highest population minor allele frequency in gnomAD v2.1.1 is 0.0001607 (4/24886 alleles) in the African/African American population, which is lower than the ClinGen CCDS VCEP’s threshold for PM2_Supporting (<0.0004), meeting this criterion (PM2_Supporting). There is a ClinVar entry for this variant (Variation ID: 810628, 2 star review status) with 7 submitters classifying the variant as pathogenic. In summary, this variant meets the criteria to be classified as pathogenic for GAMT deficiency based on the ACMG/AMP criteria applied, as specified by the ClinGen Cerebral Creatine Deficiency Syndromes Variant Curation Expert Panel (Specifications Version 1.0): PVS1_Strong, PM2_Supporting, PM3, PP4_Strong. (Classification approved by the ClinGen Cerebral Creatine Deficiency Syndromes Variant Curation Expert Panel on May 25, 2023)

Natera, Inc.
Classification: Pathogenic for Guanidinoacetate methyltransferase deficiency. Last evaluated: 2025-09-28. Review status: criteria provided, single submitter. Criteria: Natera Variant Classification Schema (03/2026). Collection method: clinical testing. Allele origin: germline. Not counted in ClinVar's aggregate classification.
Comment: The c.491delG variant in GAMT is a frameshift variant predicted to shift the reading frame beginning at codon 164 and leads to a stop codon 14 codons downstream. This variant is expected to result in nonsense mediated decay, truncation, or a dysfunctional protein product. This variant is rare in the general population with a frequency below the threshold expected for the associated phenotype(s). This variant has been observed in one or more individuals affected with the associated recessive disease, as either homozygous or compound heterozygous with a second variant (PMID: 32214227). Given the available evidence, this variant is classified as Pathogenic.

Labcorp Genetics (formerly Invitae), Labcorp
Classification: Pathogenic for Cerebral creatine deficiency syndrome. Last evaluated: 2025-08-20. Review status: criteria provided, single submitter. Criteria: Invitae Variant Classification Sherloc (09022015). Collection method: clinical testing. Allele origin: germline. Not counted in ClinVar's aggregate classification.
Comment: This sequence change creates a premature translational stop signal (p.Gly164Alafs*14) in the GAMT gene. While this is not anticipated to result in nonsense mediated decay, it is expected to disrupt the last 73 amino acid(s) of the GAMT protein. This variant is present in population databases (rs749390953, gnomAD 0.02%). This premature translational stop signal has been observed in individual(s) with guanidinoacetate methyltransferase (GAMT) deficiency (PMID: 15108290, 23660394). ClinVar contains an entry for this variant (Variation ID: 810628). This variant disrupts a region of the GAMT protein in which other variant(s) (p.Trp174*) have been determined to be pathogenic (PMID: 17171576, 19027335, 23660394, 24268530). This suggests that this is a clinically significant region of the protein, and that variants that disrupt it are likely to be disease-causing. For these reasons, this variant has been classified as Pathogenic.

CeGaT Center for Human Genetics Tuebingen
Classification: Pathogenic. Last evaluated: 2024-11-01. Review status: criteria provided, single submitter. Criteria: CeGaT Center For Human Genetics Tuebingen Variant Classification Criteria Version 2. Collection method: clinical testing. Allele origin: germline. Affected: yes. Observed: 1 variant allele. Not counted in ClinVar's aggregate classification.
Comment: GAMT: PVS1:Strong, PM2, PM3, PP4:Moderate

Genomic Research Center, Shahid Beheshti University of Medical Sciences
Classification: Pathogenic for Deficiency of guanidinoacetate methyltransferase. Last evaluated: 2024-04-22. Review status: criteria provided, single submitter. Criteria: ACMG Guidelines, 2015. Collection method: clinical testing. Allele origin: germline. Affected: yes. Not counted in ClinVar's aggregate classification.

Baylor Genetics
Classification: Pathogenic for Deficiency of guanidinoacetate methyltransferase. Last evaluated: 2023-10-06. Review status: criteria provided, single submitter. Criteria: ACMG Guidelines, 2015. Collection method: clinical testing. Allele origin: unknown. Not counted in ClinVar's aggregate classification.

GeneDx
Classification: Pathogenic. Last evaluated: 2022-02-28. Review status: criteria provided, single submitter. Criteria: GeneDx Variant Classification Process June 2021. Collection method: clinical testing. Allele origin: germline. Affected: yes. Not counted in ClinVar's aggregate classification.
Comment: Frameshift variant predicted to result in protein truncation, as the last 73 amino acids are replaced with 13 different amino acids, and other loss-of-function variants have been reported downstream in the Human Gene Mutation Database (HGMD); This variant is associated with the following publications: (PMID: 15234333, 23660394, 19027335, 26003046, 16054853, 15108290, 29302074, 32214227)

Dasa
Classification: Pathogenic for Cerebral creatine deficiency syndrome. Last evaluated: 2022-01-05. Review status: criteria provided, single submitter. Criteria: ACMG Guidelines, 2015. Collection method: clinical testing. Allele origin: germline. Affected: yes. Observed: 1 variant allele. Not counted in ClinVar's aggregate classification.
Comment: The c.491del;p.(Gly164Alafs*14) is a null frameshift variant (NMD) in the GAMT gene and predicts alteration of the nonsense-mediate decay - NMD is present in a relevantexon to the transcript -PVS1_strong. This sequence change has been observed in affected individual(s) and ClinVar contains an entry for this variant (ClinVar ID: 810628; PMID: 32214227; 23660394; 16855203) - PS4. The variant is present at low allele frequencies population databases (rs749390953– gnomAD 0.003942%; ABraOM no frequency) - PM2_supporting. The p.(Gly164Alafs*14) was detected in trans with a pathogenic variant (PMID: 16855203) - PM3. In summary, the currently available evidence indicates that the variant is pathogenic.

Broad Center for Mendelian Genomics, Broad Institute of MIT and Harvard
Classification: Pathogenic for Cerebral creatine deficiency syndrome. Last evaluated: 2021-11-02. Review status: criteria provided, single submitter. Criteria: ACMG Guidelines, 2015. Collection method: curation. Allele origin: germline. Inheritance: Autosomal recessive inheritance. Not counted in ClinVar's aggregate classification.
Comment: The p.Gly164fs variant in GAMT has been reported in at least 6 individuals with cerebral creatine deficiency syndrome (PMID: 15108290, 32214227, 16855203, 23660394), and has been identified in in 0.02% (4/24886) of African/African-American chromosomes by the Genome Aggregation Database (gnomAD; dbSNP ID: rs768985121). Although this variant has been seen in the general population in a heterozygous state, its frequency is low enough to be consistent with a recessive carrier frequency. Of the 6 affected individuals, all of those were homozygotes, which increases the likelihood that the p.Gly164fs variant is pathogenic (PMID: 15108290, 32214227, 16855203, 23660394). This variant has also been reported in ClinVar (Variation ID#: 810628) and has been interpreted as pathogenic by Section for Clinical Neurogenetics (University of Tübingen) and Women's Health and Genetics (Laboratory Corporation of America, LabCorp). This variant is predicted to cause a frameshift, which alters the protein’s amino acid sequence beginning at position 164 and leads to a premature termination codon 14 amino acids downstream. This termination codon occurs within the terminal 50 bases of the second to last exon and is more likely to escape nonsense mediated decay (NMD) and result in a truncated protein. Loss of function of the GAMT gene is an established disease mechanism in autosomal recessive cerebral creatine deficiency syndrome. The phenotype of individuals homozygous for this variant is highly specific for cerebral creatine deficiency syndrome based on strict biochemical investigations consistent with disease (PMID: 23660394, 15108290). In summary, this variant meets criteria to be classified as pathogenic for autosomal recessive cerebral creatine deficiency syndrome. ACMG/AMP Criteria applied: PVS1_strong, PM3, PP4_strong, PM2_supporting (Richards 2015).

Women's Health and Genetics/Laboratory Corporation of America, LabCorp
Classification: Pathogenic for Deficiency of guanidinoacetate methyltransferase. Last evaluated: 2021-08-21. Review status: criteria provided, single submitter. Criteria: LabCorp Variant Classification Summary - May 2015. Collection method: clinical testing. Allele origin: germline. Not counted in ClinVar's aggregate classification.
Comment: Variant summary: GAMT c.491delG (p.Gly164AlafsX14) results in a premature termination codon, predicted to cause a truncation of the encoded protein or absence of the protein due to nonsense mediated decay, which are commonly known mechanisms for disease. Truncations downstream of this position have been classified as pathogenic by our laboratory. The variant allele was found at a frequency of 1.2e-05 in 250692 control chromosomes. c.491delG has been reported in the literature in multiple individuals affected with Guanidinoactetate Methyltransferase Deficiency (example, Item_2004, Hengel_2020, Mercimek-Mahmutoglu_2006, Comeaux_2013). These data indicate that the variant is very likely to be associated with disease. To our knowledge, no experimental evidence demonstrating an impact on protein function has been reported. One clinical diagnostic laboratory has submitted clinical-significance assessments for this variant to ClinVar after 2014 without evidence for independent evaluation and classified the variant as pathogenic. Based on the evidence outlined above, the variant was classified as pathogenic.

Juno Genomics, Hangzhou Juno Genomics, Inc
Classification: Pathogenic for Deficiency of guanidinoacetate methyltransferase. Review status: criteria provided, single submitter. Criteria: ACMG Guidelines, 2015. Collection method: clinical testing. Allele origin: germline. Not counted in ClinVar's aggregate classification.
Comment: Absent from controls (or at extremely low frequency if recessive) in Genome Aggregation Database.;Null variant in a gene where loss of function (LOF) is a known mechanism of disease.;For recessive disorders, detected in trans with a pathogenic variant.;Patient's phenotype or family history is highly specific for a disease with a single genetic etiology.

Section for Clinical Neurogenetics, University of Tübingen
Classification: Pathogenic for Deficiency of guanidinoacetate methyltransferase. Last evaluated: 2019-08-01. Review status: no assertion criteria provided. Collection method: research. Allele origin: germline. Affected: yes. Not counted in ClinVar's aggregate classification.

Literature cited by the submitters: PubMed 32214227 (cited by 4 submitters); PubMed 15108290 (cited by 3 submitters); PubMed 23660394 (cited by 3 submitters); PubMed 17171576 (cited by Labcorp Genetics (formerly Invitae), Labcorp); PubMed 19027335 (cited by Labcorp Genetics (formerly Invitae), Labcorp); PubMed 24268530 (cited by Labcorp Genetics (formerly Invitae), Labcorp); PubMed 16855203 (cited by Dasa and Women's Health and Genetics/Laboratory Corporation of America, LabCorp).